The following is an entry in ClinVar:

ClinVar aggregate classification (germline): Uncertain significance. Review status: criteria provided, multiple submitters, no conflicts (2 of 4 stars). 2 submissions from 2 submitters: Uncertain significance (2). Last evaluated 2025-12-01.

Submissions (2):

Women's Health and Genetics/Laboratory Corporation of America, LabCorp
Classification: Uncertain significance. Last evaluated: 2025-12-01. Review status: criteria provided, single submitter. Criteria: LabCorp Variant Classification Summary - May 2015. Collection method: clinical testing. Allele origin: germline.
Comment: Variant summary: CUL7 c.4657_4658delinsAG (p.Glu1553Arg) results in a non-conservative amino acid change in the encoded protein sequence. Algorithms developed to predict the effect of missense changes on protein structure and function are either unavailable or do not agree on the potential impact of this missense change. The variant allele was found at a frequency of 4e-06 in 251462 control chromosomes. The available data on variant occurrences in the general population are insufficient to allow any conclusion about variant significance. To our knowledge, no occurrence of c.4657_4658delinsAG in individuals affected with CUL7-related conditions and no experimental evidence demonstrating its impact on protein function have been reported. ClinVar contains an entry for this variant (Variation ID: 1363657). Based on the evidence outlined above, the variant was classified as uncertain significance.

Labcorp Genetics (formerly Invitae), Labcorp
Classification: Uncertain significance. Last evaluated: 2021-01-08. Review status: criteria provided, single submitter. Criteria: Invitae Variant Classification Sherloc (09022015). Collection method: clinical testing. Allele origin: germline.
Comment: Algorithms developed to predict the effect of missense changes on protein structure and function are either unavailable or do not agree on the potential impact of this missense change (SIFT: "Not Available"; PolyPhen-2: "Possibly Damaging"; Align-GVGD: "Not Available"). This variant has not been reported in the literature in individuals with CUL7-related conditions. The frequency data for this variant in the population databases is not available, as this variant may be reported as separate entries in the ExAC database. This sequence change replaces glutamic acid with arginine at codon 1553 of the CUL7 protein (p.Glu1553Arg). The glutamic acid residue is highly conserved and there is a small physicochemical difference between glutamic acid and arginine. In summary, the available evidence is currently insufficient to determine the role of this variant in disease. Therefore, it has been classified as a Variant of Uncertain Significance.

NM_014780.5(CUL7):c.4657_4658delinsAG (p.Glu1553Arg)

Gene: CUL7 (cullin 7; minus strand). Cytogenetic location: 6p21.1.
Variant type: Indel.
Coding change: c.4657_4658delinsAG on transcript NM_014780.5 (MANE Select); coding-DNA positions 4657 to 4658, GA replaced by AG.
Protein change: p.Glu1553Arg; replaces glutamic acid 1553 with arginine.
Molecular consequence: missense variant.
Genome position (GRCh38, 1-based): chr6:43,038,382-43,038,383, TC replaced by CT on the plus strand (GA replaced by AG on the coding strand, the reverse complement: CUL7 is on the minus strand). VCF-style: chr6-43038382-TC-CT. GRCh37 (hg19) VCF-style: chr6-43006120-TC-CT.
Other names: c.4753_4754delinsAG, p.Glu1585Arg (NM_001168370.2, NM_001374872.1); c.4669_4670delinsAG, p.Glu1557Arg (NM_001374873.1); c.4654_4655delinsAG, p.Glu1552Arg (NM_001374874.1); short protein forms E1552R, E1553R, E1557R, E1585R.
Identifiers: ClinVar variation 1363657 (VCV001363657.7), dbSNP rs2150304545, ClinGen allele CA2573140789.
Genomic context (GRCh38, chr6:43,038,382, plus strand): 5'-CGGACGATGAGGCAGTTCAGAAGATTCCGTCTCTTCTCCAAGTTCTGGCCGTCTTCACCC[TC>CT]AGCTTGCAGGTACGTCTGAGGTGGGATGAGCCGCACAATGTCCCATCTCGACCTGGGTTC-3'
Protein context (NP_055595.2, residues 1543-1563): LIPPQTYLQA[Glu1553Arg]GEDGQNLEKR